The following is an entry in ClinVar:

ClinVar aggregate classification (germline): Uncertain significance (1 of 4 stars; one submission).

Conditions:
Malignant hyperthermia, susceptibility to, 5 (MHS5). Also called: CACNA1S-Related Malignant Hyperthermia Susceptibility. Identifiers: Orphanet 423, MedGen C1866077, MONDO:0011163, OMIM 601887.

gnomAD v4.1: 4 of 1,558,844 alleles (0.00026%); highest among the groups gnomAD compares: Non-Finnish European, 0.00035%; no homozygotes.

Submission:

All of Us Research Program, National Institutes of Health
Classification: Uncertain significance for Malignant hyperthermia, susceptibility to, 5. Last evaluated: 2024-08-06. Review status: criteria provided, single submitter. Criteria: ACMG Guidelines, 2015. Collection method: clinical testing. Allele origin: germline. Inheritance: Autosomal dominant inheritance. Observed: 2 variant alleles, 2 heterozygotes.
Comment: This missense variant replaces arginine with glycine at codon 794 of the CACNA1S protein. Computational prediction suggests that this variant may have deleterious impact on protein structure and function (internally defined REVEL score threshold >= 0.7, PMID: 27666373). To our knowledge, functional studies have not been reported for this variant. This variant has not been reported in individuals affected with CACNA1S-related disorders in the literature. This variant has been identified in 1/161928 chromosomes in the general population by the Genome Aggregation Database (gnomAD). The available evidence is insufficient to determine the role of this variant in disease conclusively. Therefore, this variant is classified as a Variant of Uncertain Significance.

This study involves interpretation of variants in research participants for the purpose of population health screening. Participant phenotype was not available at the time of variant classification. Additional details can be found in publication PMID: 35346344, PMCID: PMC8962531

NM_000069.3(CACNA1S):c.2380C>G (p.Arg794Gly)

Gene: CACNA1S (calcium voltage-gated channel subunit alpha1 S; minus strand). Cytogenetic location: 1q32.1.
Variant type: single nucleotide variant.
Coding change: c.2380C>G on transcript NM_000069.3 (MANE Select); coding-DNA position 2380, C replaced by G.
Protein change: p.Arg794Gly; replaces arginine 794 with glycine.
Molecular consequence: missense variant.
Genome position (GRCh38, 1-based): chr1:201,069,582, G>C on the plus strand (C>G on the coding strand, the complement: CACNA1S is on the minus strand). VCF-style: chr1-201069582-G-C. GRCh37 (hg19) VCF-style: chr1-201038710-G-C.
Other names: short protein forms R794G.
Identifiers: ClinVar variation 3072557 (VCV003072557.2), dbSNP rs373328930, ClinGen allele CA078968.